The following is an entry in ClinVar:

ClinVar aggregate classification (germline): Uncertain significance. Review status: criteria provided, multiple submitters, no conflicts (2 of 4 stars). 2 submissions from 2 submitters: Uncertain significance (2). Last evaluated 2022-10-17.

Conditions:
Muscular dystrophy-dystroglycanopathy (congenital with brain and eye anomalies), type A, 7. Also called: WALKER-WARBURG SYNDROME OR MUSCLE-EYE-BRAIN DISEASE, ISPD-RELATED; Congenital muscular dystrophy-dystroglycanopathy with brain and eye anomalies, type A7. Identifiers: Orphanet 899, MedGen C3553330, MONDO:0013835, OMIM 614643.
Autosomal recessive limb-girdle muscular dystrophy type 2U. Also called: Muscular dystrophy-dystroglycanopathy (limb-girdle), type c, 7; MUSCULAR DYSTROPHY, LIMB-GIRDLE, TYPE 2U. Identifiers: Orphanet 352479, MedGen C5190987, MONDO:0014474, OMIM 616052.

Allele frequency attached by ClinVar (database versions not stated): gnomAD 0.00001; TOPMed 0.00001; gnomAD exomes 0.00006; ExAC 0.00013.
gnomAD v4.1: 27 of 1,512,536 alleles (0.0018%); highest among the groups gnomAD compares: South Asian, 0.021%; no homozygotes.

Submissions (2):

Labcorp Genetics (formerly Invitae), Labcorp
Classification: Uncertain significance for Muscular dystrophy-dystroglycanopathy (congenital with brain and eye anomalies), type A, 7; Autosomal recessive limb-girdle muscular dystrophy type 2U. Last evaluated: 2022-10-17. Review status: criteria provided, single submitter. Criteria: Invitae Variant Classification Sherloc (09022015). Collection method: clinical testing. Allele origin: germline.
Comment: In summary, the available evidence is currently insufficient to determine the role of this variant in disease. Therefore, it has been classified as a Variant of Uncertain Significance. Advanced modeling of protein sequence and biophysical properties (such as structural, functional, and spatial information, amino acid conservation, physicochemical variation, residue mobility, and thermodynamic stability) performed at Invitae indicates that this missense variant is not expected to disrupt ISPD protein function. ClinVar contains an entry for this variant (Variation ID: 283400). This variant has not been reported in the literature in individuals affected with ISPD-related conditions. This variant is present in population databases (rs761189549, gnomAD 0.03%). This sequence change replaces arginine, which is basic and polar, with isoleucine, which is neutral and non-polar, at codon 280 of the ISPD protein (p.Arg280Ile).

Eurofins Ntd Llc (ga)
Classification: Uncertain significance. Last evaluated: 2015-09-22. Review status: criteria provided, single submitter. Criteria: EGL Classification Definitions 2015. Collection method: clinical testing. Allele origin: germline. Observed: 1 variant allele, 1 heterozygote.

NM_001101426.4(CRPPA):c.839G>T (p.Arg280Ile)

Gene: CRPPA (CDP-L-ribitol pyrophosphorylase A; minus strand). Cytogenetic location: 7p21.2.
Variant type: single nucleotide variant.
Coding change: c.839G>T on transcript NM_001101426.4 (MANE Select); coding-DNA position 839, G replaced by T.
Protein change: p.Arg280Ile; replaces arginine 280 with isoleucine.
Molecular consequence: missense variant. On other transcripts: non-coding transcript variant (1).
Genome position (GRCh38, 1-based): chr7:16,278,223, C>A on the plus strand (G>T on the coding strand, the complement: CRPPA is on the minus strand). VCF-style: chr7-16278223-C-A. GRCh37 (hg19) VCF-style: chr7-16317848-C-A.
Other names: c.689G>T, p.Arg230Ile (NM_001101417.4); c.734G>T, p.Arg245Ile (NM_001368197.1); short protein forms R280I, R230I, R245I.
Identifiers: ClinVar variation 283400 (VCV000283400.7), dbSNP rs761189549, ClinGen allele CA4169467.
Genomic context (GRCh38, chr7:16,278,223, plus strand): 5'-TGACCTACATGTTTGTTATCTTCTTCTGTATCCATAACTACACAAATCTCTTGGGAAATT[C>A]TCTCTGAAATTAAAAAAAAAAAGTTTTAAGTTTCAAACAAAACATGTAACAAGGCCCTAG-3'
Protein context (NP_001094896.1, residues 270-290): LYAAESIIKE[Arg280Ile]ISQEICVVMD